The following is an entry in ClinVar:

NM_004429.5(EFNB1):c.331A>G (p.Thr111Ala)

Gene: EFNB1 (ephrin B1; plus strand). Cytogenetic location: Xq13.1.
Variant type: single nucleotide variant.
Coding change: c.331A>G on transcript NM_004429.5 (MANE Select); coding-DNA position 331, A replaced by G.
Protein change: p.Thr111Ala; replaces threonine 111 with alanine.
Molecular consequence: missense variant.
Genome position (GRCh38, 1-based): chrX:68,838,819, A>G. VCF-style: chrX-68838819-A-G. GRCh37 (hg19) VCF-style: chrX-68058662-A-G.
Other names: short protein forms T111A.
Identifiers: ClinVar variation 1475190 (VCV001475190.6), dbSNP rs2147976530, ClinGen allele CA413437697.
Genomic context (GRCh38, chrX:68,838,819, plus strand): 5'-ACAGTTCTCGACCCCAACGTGTTGGTCACCTGCAATAGGCCAGAGCAGGAAATACGCTTT[A>G]CCATCAAGTTCCAGGAGTTCAGCCCCAACTACATGGGCCTGGAGTTCAAGAAGCACCATG-3'
Protein context (NP_004420.1, residues 101-121): CNRPEQEIRF[Thr111Ala]IKFQEFSPNY

ClinVar aggregate classification (germline): Uncertain significance (1 of 4 stars; one submission).

Submission:

Labcorp Genetics (formerly Invitae), Labcorp
Classification: Uncertain significance. Last evaluated: 2024-09-13. Review status: criteria provided, single submitter. Criteria: Invitae Variant Classification Sherloc (09022015). Collection method: clinical testing. Allele origin: germline.
Comment: This sequence change replaces threonine, which is neutral and polar, with alanine, which is neutral and non-polar, at codon 111 of the EFNB1 protein (p.Thr111Ala). This variant is not present in population databases (gnomAD no frequency). This variant has not been reported in the literature in individuals affected with EFNB1-related conditions. ClinVar contains an entry for this variant (Variation ID: 1475190). Invitae Evidence Modeling of protein sequence and biophysical properties (such as structural, functional, and spatial information, amino acid conservation, physicochemical variation, residue mobility, and thermodynamic stability) indicates that this missense variant is expected to disrupt EFNB1 protein function with a positive predictive value of 80%. This variant disrupts the p.Thr111 amino acid residue in EFNB1. Other variant(s) that disrupt this residue have been determined to be pathogenic (PMID: 15124102). This suggests that this residue is clinically significant, and that variants that disrupt this residue are likely to be disease-causing. In summary, the available evidence is currently insufficient to determine the role of this variant in disease. Therefore, it has been classified as a Variant of Uncertain Significance.

Literature cited by the submitters: PubMed 15124102.